The following is an entry in ClinVar:

ClinVar aggregate classification (germline): Uncertain significance (1 of 4 stars; one submission).

Conditions:
Hypertrophic cardiomyopathy. Also called: HYPERTROPHIC MYOCARDIOPATHY. Identifiers: Orphanet 217569, MedGen C0007194, MeSH D002312, MONDO:0005045, HP:0001639.

Submission:

Labcorp Genetics (formerly Invitae), Labcorp
Classification: Uncertain significance for Hypertrophic cardiomyopathy. Last evaluated: 2023-03-07. Review status: criteria provided, single submitter. Criteria: Invitae Variant Classification Sherloc (09022015). Collection method: clinical testing. Allele origin: germline.
Comment: This sequence change replaces aspartic acid, which is acidic and polar, with glycine, which is neutral and non-polar, at codon 700 of the MYBPC3 protein (p.Asp700Gly). This variant is not present in population databases (gnomAD no frequency). This variant has not been reported in the literature in individuals affected with MYBPC3-related conditions. Algorithms developed to predict the effect of missense changes on protein structure and function output the following: SIFT: "Not Available"; PolyPhen-2: "Benign"; Align-GVGD: "Not Available". The glycine amino acid residue is found in multiple mammalian species, which suggests that this missense change does not adversely affect protein function. In summary, the available evidence is currently insufficient to determine the role of this variant in disease. Therefore, it has been classified as a Variant of Uncertain Significance.

NM_000256.3(MYBPC3):c.2099A>G (p.Asp700Gly)

Gene: MYBPC3 (myosin binding protein C3; minus strand). Cytogenetic location: 11p11.2.
Variant type: single nucleotide variant.
Coding change: c.2099A>G on transcript NM_000256.3 (MANE Select); coding-DNA position 2099, A replaced by G.
Protein change: p.Asp700Gly; replaces aspartic acid 700 with glycine.
Molecular consequence: missense variant.
Genome position (GRCh38, 1-based): chr11:47,339,373, T>C on the plus strand (A>G on the coding strand, the complement: MYBPC3 is on the minus strand). VCF-style: chr11-47339373-T-C. GRCh37 (hg19) VCF-style: chr11-47360924-T-C.
Other names: short protein forms D700G.
Identifiers: ClinVar variation 2823815 (VCV002823815.3), dbSNP rs746198398, ClinGen allele CA380321028.